The following is an entry in ClinVar:

ClinVar aggregate classification (germline): Uncertain significance. Review status: criteria provided, multiple submitters, no conflicts (2 of 4 stars). 4 submissions from 4 submitters: Uncertain significance (4). Last evaluated 2026-09-06.

Conditions:
Familial thoracic aortic aneurysm and aortic dissection (TAAD). Also called: Thoracic aortic aneurysms and dissections. Identifiers: Orphanet 91387, MedGen C4707243, MONDO:0019625.
Ehlers-Danlos syndrome, classic type, 1 (EDSCL1). Also called: Ehlers-Danlos syndrome, type 1; Ehlers-Danlos Syndrome, Classic Type, COL5A1-Related; EHLERS-DANLOS SYNDROME, GRAVIS TYPE; EHLERS-DANLOS SYNDROME, SEVERE CLASSIC TYPE; EDS I. Identifiers: MedGen C0268335, MONDO:0019567, OMIM 130000.

Allele frequency attached by ClinVar (database versions not stated): TOPMed 0.00001; gnomAD 0.00001.
gnomAD v4.1: 5 of 1,593,432 alleles (0.00031%); highest among the groups gnomAD compares: African/African-American, 0.0013%; no homozygotes.

Submissions (4):

Ambry Genetics
Classification: Uncertain significance for Familial thoracic aortic aneurysm and aortic dissection. Last evaluated: 2026-09-06. Review status: criteria provided, single submitter. Criteria: Ambry Variant Classification Scheme 2023. Collection method: clinical testing. Allele origin: germline.
Comment: The p.P1271S variant (also known as c.3811C>T), located in coding exon 48 of the COL5A1 gene, results from a C to T substitution at nucleotide position 3811. The proline at codon 1271 is replaced by serine, an amino acid with similar properties. This amino acid position is conserved. In addition, the in silico prediction for this alteration is inconclusive. Based on the available evidence, the clinical significance of this variant remains unclear.

GeneDx
Classification: Uncertain significance. Last evaluated: 2024-11-07. Review status: criteria provided, single submitter. Criteria: GeneDx Variant Classification Process June 2021. Collection method: clinical testing. Allele origin: germline. Affected: yes.
Comment: Occurs in the triple helical domain at the X position in the canonical Gly-X-Y repeat; although this variant may have an effect on normal protein folding and function, missense substitution at the X position is not a common mechanism of disease (PMID: 22696272; HGMD); In silico analysis supports that this missense variant has a deleterious effect on protein structure/function; Has not been previously published as pathogenic or benign to our knowledge; Not observed at significant frequency in large population cohorts (gnomAD); This variant is associated with the following publications: (PMID: 22696272)

Labcorp Genetics (formerly Invitae), Labcorp
Classification: Uncertain significance for Ehlers-Danlos syndrome, classic type, 1. Last evaluated: 2023-08-28. Review status: criteria provided, single submitter. Criteria: Invitae Variant Classification Sherloc (09022015). Collection method: clinical testing. Allele origin: germline.
Comment: This sequence change replaces proline, which is neutral and non-polar, with serine, which is neutral and polar, at codon 1271 of the COL5A1 protein (p.Pro1271Ser). This variant is not present in population databases (gnomAD no frequency). This variant has not been reported in the literature in individuals affected with COL5A1-related conditions. Advanced modeling of protein sequence and biophysical properties (such as structural, functional, and spatial information, amino acid conservation, physicochemical variation, residue mobility, and thermodynamic stability) performed at Invitae indicates that this missense variant is not expected to disrupt COL5A1 protein function. In summary, the available evidence is currently insufficient to determine the role of this variant in disease. Therefore, it has been classified as a Variant of Uncertain Significance.

Blueprint Genetics
Classification: Uncertain significance. Last evaluated: 2023-02-20. Review status: criteria provided, single submitter. Criteria: ACMG Guidelines, 2015. Collection method: clinical testing. Allele origin: germline.

NM_000093.5(COL5A1):c.3811C>T (p.Pro1271Ser)

Gene: COL5A1 (collagen type V alpha 1 chain; plus strand). Cytogenetic location: 9q34.3.
Variant type: single nucleotide variant.
Coding change: c.3811C>T on transcript NM_000093.5 (MANE Select); coding-DNA position 3811, C replaced by T.
Protein change: p.Pro1271Ser; replaces proline 1271 with serine.
Molecular consequence: missense variant.
Genome position (GRCh38, 1-based): chr9:134,812,671, C>T. VCF-style: chr9-134812671-C-T. GRCh37 (hg19) VCF-style: chr9-137704517-C-T.
Other names: c.3811C>T, p.Pro1271Ser (NM_001278074.1); c.3811C>T (NM_000093.3); short protein forms P1271S.
Identifiers: ClinVar variation 2862147 (VCV002862147.6), dbSNP rs1425946033, ClinGen allele CA375455004.